The following is an entry in ClinVar:

ClinVar aggregate classification (germline): Benign (1 of 4 stars; one submission).

Conditions:
PTPRQ-related disorder. Also called: PTPRQ-related condition.

Submission:

PreventionGenetics, part of Exact Sciences
Classification: Benign for PTPRQ-related condition. Last evaluated: 2020-05-20. Review status: criteria provided, single submitter. Criteria: ACMG Guidelines, 2015. Collection method: clinical testing. Allele origin: germline.
Comment: This variant is classified as benign based on ACMG/AMP sequence variant interpretation guidelines (Richards et al. 2015 PMID: 25741868, with internal and published modifications).

NM_001145026.2(PTPRQ):c.2473C>T (p.Gln825Ter)

Gene: PTPRQ (protein tyrosine phosphatase receptor type Q; plus strand). Cytogenetic location: 12q21.31.
Variant type: single nucleotide variant.
Coding change: c.2473C>T on transcript NM_001145026.2 (MANE Select); coding-DNA position 2473, C replaced by T.
Protein change: p.Gln825Ter; replaces glutamine 825 with a stop codon.
Molecular consequence: nonsense.
Genome position (GRCh38, 1-based): chr12:80,506,586, C>T. VCF-style: chr12-80506586-C-T. GRCh37 (hg19) VCF-style: chr12-80900365-C-T.
Other names: short protein forms Q825*.
Identifiers: ClinVar variation 3057360 (VCV003057360.1), dbSNP rs749369907, ClinGen allele CA385861753.